The following is an entry in ClinVar:

ClinVar aggregate classification (germline): Uncertain significance. Review status: criteria provided, multiple submitters, no conflicts (2 of 4 stars). 4 submissions from 4 submitters: Uncertain significance (4). Last evaluated 2025-07-02.

Conditions:
Dilated cardiomyopathy 1GG (CMD1GG). Identifiers: Orphanet 154, MedGen C3150898, MONDO:0013339, OMIM 613642.
Neurodegeneration with ataxia and late-onset optic atrophy. Identifiers: MedGen C5543254, MONDO:0031006, OMIM 619259.
Mitochondrial complex II deficiency, nuclear type 1. Also called: SUCCINATE CoQ REDUCTASE DEFICIENCY. Identifiers: Orphanet 3208, MedGen C5700310, MONDO:0100294, OMIM 252011.
Pheochromocytoma/paraganglioma syndrome 5. Also called: SDHA-Related Hereditary Paraganglioma-Pheochromocytoma Syndrome; Paragangliomas 5. Identifiers: Orphanet 29072, MedGen C3279992, MONDO:0013602, OMIM 614165.
Hereditary cancer-predisposing syndrome. Also called: Neoplastic Syndromes, Hereditary; Hereditary Cancer Syndrome; Tumor predisposition; Hereditary neoplastic syndrome. Identifiers: Orphanet 140162, MedGen C0027672, MeSH D009386, MONDO:0015356.

gnomAD v4.1: 1 of 1,613,414 alleles (0.000062%); highest among the groups gnomAD compares: Admixed American, 0.0017%; no homozygotes.

Submissions (4):

Labcorp Genetics (formerly Invitae), Labcorp
Classification: Uncertain significance for Pheochromocytoma/paraganglioma syndrome 5; Mitochondrial complex II deficiency, nuclear type 1. Last evaluated: 2025-07-02. Review status: criteria provided, single submitter. Criteria: Invitae Variant Classification Sherloc (09022015). Collection method: clinical testing. Allele origin: germline.
Comment: This sequence change replaces valine, which is neutral and non-polar, with leucine, which is neutral and non-polar, at codon 57 of the SDHA protein (p.Val57Leu). This variant is not present in population databases (gnomAD no frequency). This variant has not been reported in the literature in individuals affected with SDHA-related conditions. ClinVar contains an entry for this variant (Variation ID: 412390). Invitae Evidence Modeling of protein sequence and biophysical properties (such as structural, functional, and spatial information, amino acid conservation, physicochemical variation, residue mobility, and thermodynamic stability) indicates that this missense variant is not expected to disrupt SDHA protein function with a negative predictive value of 95%. In summary, the available evidence is currently insufficient to determine the role of this variant in disease. Therefore, it has been classified as a Variant of Uncertain Significance.

Quest Diagnostics Nichols Institute San Juan Capistrano
Classification: Uncertain significance. Last evaluated: 2024-12-24. Review status: criteria provided, single submitter. Criteria: Quest Diagnostics criteria. Collection method: clinical testing. Allele origin: unknown.
Comment: The SDHA c.169G>T (p.Val57Leu) variant has not been reported in individuals with SDHA-related conditions in the published literature. It also has not been reported in large, multi-ethnic general populations (Genome Aggregation Database). Analysis of this variant using bioinformatics tools for the prediction of the effect of amino acid changes on protein structure and function yielded predictions that this variant is benign. Based on the available information, we are unable to determine the clinical significance of this variant.

Ambry Genetics
Classification: Uncertain significance for Hereditary cancer-predisposing syndrome. Last evaluated: 2024-03-12. Review status: criteria provided, single submitter. Criteria: Ambry Variant Classification Scheme 2023. Collection method: clinical testing. Allele origin: germline.
Comment: The p.V57L variant (also known as c.169G>T), located in coding exon 3 of the SDHA gene, results from a G to T substitution at nucleotide position 169. The valine at codon 57 is replaced by leucine, an amino acid with highly similar properties. This amino acid position is highly conserved in available vertebrate species. In addition, the in silico prediction for this alteration is inconclusive. Based on the available evidence, the clinical significance of this alteration remains unclear.

Fulgent Genetics
Classification: Uncertain significance for Mitochondrial complex II deficiency, nuclear type 1; Dilated cardiomyopathy 1GG; Pheochromocytoma/paraganglioma syndrome 5; Neurodegeneration with ataxia and late-onset optic atrophy. Last evaluated: 2021-12-13. Review status: criteria provided, single submitter. Criteria: ACMG Guidelines, 2015. Collection method: clinical testing. Allele origin: unknown.

NM_004168.4(SDHA):c.169G>T (p.Val57Leu)

Gene: SDHA (succinate dehydrogenase complex flavoprotein subunit A; plus strand). Cytogenetic location: 5p15.33.
Variant type: single nucleotide variant.
Coding change: c.169G>T on transcript NM_004168.4 (MANE Select); coding-DNA position 169, G replaced by T.
Protein change: p.Val57Leu; replaces valine 57 with leucine.
Molecular consequence: missense variant.
Genome position (GRCh38, 1-based): chr5:224,378, G>T. VCF-style: chr5-224378-G-T. GRCh37 (hg19) VCF-style: chr5-224493-G-T.
Other names: c.169G>T, p.Val57Leu (NM_001294332.2, NM_001330758.2); short protein forms V57L.
Identifiers: ClinVar variation 412390 (VCV000412390.17), dbSNP rs1060503724, ClinGen allele CA16611822.